The following is an entry in ClinVar:

NM_000051.4(ATM):c.4201T>A (p.Leu1401Ile)

Gene: ATM (ATM serine/threonine kinase; plus strand). Cytogenetic location: 11q22.3.
Variant type: single nucleotide variant.
Coding change: c.4201T>A on transcript NM_000051.4 (MANE Select); coding-DNA position 4201, T replaced by A.
Protein change: p.Leu1401Ile; replaces leucine 1401 with isoleucine.
Molecular consequence: missense variant.
Genome position (GRCh38, 1-based): chr11:108,289,068, T>A. VCF-style: chr11-108289068-T-A. GRCh37 (hg19) VCF-style: chr11-108159795-T-A.
Other names: p.L1401I:TTA>ATA; c.4201T>A, p.Leu1401Ile (NM_001351834.2); short protein forms L1401I.
Identifiers: ClinVar variation 127383 (VCV000127383.24), dbSNP rs587779838, ClinGen allele CA286834.
Genomic context (GRCh38, chr11:108,289,068, plus strand): 5'-TTTCCATCGCATGTGATTAAAGCAACATTTGCCTATATCAGCAATTGTCATAAAACCAAG[T>A]TAAAAAGCATTTTAGAAATTCTTTCCAAAAGCCCTGTAAGTATACATGATGAGTTTAATA-3'
Protein context (NP_000042.3, residues 1391-1411): AYISNCHKTK[Leu1401Ile]KSILEILSKS

ClinVar aggregate classification (germline): Conflicting classifications of pathogenicity. Review status: criteria provided, conflicting classifications (1 of 4 stars). 8 submissions from 8 submitters: Uncertain significance (4); Likely benign (1). 3 of the submissions do not count toward it. Last evaluated 2025-03-20.

Conditions:
Hereditary cancer-predisposing syndrome. Also called: Tumor predisposition; Hereditary Cancer Syndrome; Neoplastic Syndromes, Hereditary; Hereditary neoplastic syndrome. Identifiers: Orphanet 140162, MedGen C0027672, MeSH D009386, MONDO:0015356.
Ataxia-telangiectasia syndrome (AT). Also called: LOUIS-BAR SYNDROME; Cerebello-oculocutaneous telangiectasia; Immunodeficiency with ataxia telangiectasia; ATAXIA-TELANGIECTASIA, COMPLEMENTATION GROUP A; ATAXIA-TELANGIECTASIA, FRESNO VARIANT; Ataxia-telangiectasia. Identifiers: Orphanet 100, MedGen C0004135, MONDO:0008840, OMIM 208900.

Allele frequency attached by ClinVar (database versions not stated): gnomAD exomes 0.00001 and 0.00002.
gnomAD v4.1: 18 of 1,611,858 alleles (0.0011%); highest among the groups gnomAD compares: Middle Eastern, 0.017%; no homozygotes.

Submissions (8):

Ambry Genetics
Classification: Likely benign for Hereditary cancer-predisposing syndrome. Last evaluated: 2025-03-20. Review status: criteria provided, single submitter. Criteria: Ambry Variant Classification Scheme 2023. Collection method: clinical testing. Allele origin: germline.

Labcorp Genetics (formerly Invitae), Labcorp
Classification: Uncertain significance for Ataxia-telangiectasia syndrome. Last evaluated: 2025-01-30. Review status: criteria provided, single submitter. Criteria: Invitae Variant Classification Sherloc (09022015). Collection method: clinical testing. Allele origin: germline.
Comment: This sequence change replaces leucine, which is neutral and non-polar, with isoleucine, which is neutral and non-polar, at codon 1401 of the ATM protein (p.Leu1401Ile). This variant is present in population databases (rs587779838, gnomAD 0.004%). This variant has not been reported in the literature in individuals affected with ATM-related conditions. ClinVar contains an entry for this variant (Variation ID: 127383). Invitae Evidence Modeling of protein sequence and biophysical properties (such as structural, functional, and spatial information, amino acid conservation, physicochemical variation, residue mobility, and thermodynamic stability) indicates that this missense variant is not expected to disrupt ATM protein function with a negative predictive value of 95%. In summary, the available evidence is currently insufficient to determine the role of this variant in disease. Therefore, it has been classified as a Variant of Uncertain Significance.

Athena Diagnostics
Classification: Uncertain significance. Last evaluated: 2022-06-06. Review status: criteria provided, single submitter. Criteria: Athena Diagnostics Criteria. Collection method: clinical testing. Allele origin: unknown.

Color Diagnostics, LLC DBA Color Health
Classification: Uncertain significance for Hereditary cancer-predisposing syndrome. Last evaluated: 2021-12-20. Review status: criteria provided, single submitter. Criteria: ACMG Guidelines, 2015. Collection method: clinical testing. Allele origin: germline.
Comment: This missense variant replaces leucine with isoleucine at codon 1401 of the ATM protein. Computational prediction suggests that this variant may not impact protein structure and function (internally defined REVEL score threshold <= 0.5, PMID: 27666373). To our knowledge, functional studies have not been reported for this variant. In a large international case-control study, this variant was reported in 0/60466 breast cancer cases and 2/53459 controls (OR=0.221, 95%CI 0.01 to 4.902, p-value=0.22; PMID: 33471991). This variant has been identified in 4/250996 chromosomes in the general population by the Genome Aggregation Database (gnomAD). The available evidence is insufficient to determine the role of this variant in disease conclusively. Therefore, this variant is classified as a Variant of Uncertain Significance.

GeneDx
Classification: Uncertain significance. Last evaluated: 2017-02-19. Review status: criteria provided, single submitter. Criteria: GeneDx Variant Classification (06012015). Collection method: clinical testing. Allele origin: germline. Affected: yes.
Comment: This variant is denoted ATM c.4201T>A at the cDNA level, p.Leu1401Ile (L1401I) at the protein level, and results in the change of a Leucine to an Isoleucine (TTA>ATA). This variant has not, to our knowledge, been published in the literature as pathogenic or benign. ATM Leu1401Ile was not observed in approximately 6,500 individuals of European and African American ancestry in the NHLBI Exome Sequencing Project, suggesting it is not a common benign variant in these populations. Since Leucine and Isoleucine share similar properties, this is considered a conservative amino acid substitution. ATM Leu1401Ile occurs at a position that is not conserved and is not located in a known functional domain. In silico analyses predict that this variant is unlikely to alter protein structure or function. Based on currently available information, it is unclear whether ATM Leu1401Ile is pathogenic or benign. We consider it to be a variant of uncertain significance.

Natera, Inc.
Classification: Uncertain significance for Ataxia-telangiectasia. Last evaluated: 2021-08-09. Review status: no assertion criteria provided. Collection method: clinical testing. Allele origin: germline. Not counted in ClinVar's aggregate classification.

Clinical Genetics DNA and cytogenetics Diagnostics Lab, Erasmus MC, Erasmus Medical Center
Classification: Likely benign. Review status: no assertion criteria provided. Collection method: clinical testing. Allele origin: germline. Affected: yes. Study: VKGL Data-share Consensus. Not counted in ClinVar's aggregate classification.

Clinical Genetics Laboratory, Department of Pathology, Netherlands Cancer Institute
Classification: Likely benign. Review status: no assertion criteria provided. Collection method: clinical testing. Allele origin: germline. Affected: yes. Study: VKGL Data-share Consensus. Not counted in ClinVar's aggregate classification.